The following is an entry in ClinVar:

ClinVar aggregate classification (germline): Uncertain significance. Review status: criteria provided, multiple submitters, no conflicts (2 of 4 stars). 2 submissions from 2 submitters: Uncertain significance (2). Last evaluated 2023-09-29.

Conditions:
Charcot-Marie-Tooth disease type 2. Also called: Charcot-Marie-Tooth type 2. Identifiers: Orphanet 64746, MedGen C0270914, MONDO:0018993.

Allele frequency attached by ClinVar (database versions not stated): gnomAD exomes below 0.00001.
gnomAD v4.1: 1 of 1,614,070 alleles (0.000062%); highest among the groups gnomAD compares: African/African-American, 0.0013%; no homozygotes.

Submissions (2):

Ambry Genetics
Classification: Uncertain significance. Last evaluated: 2023-09-29. Review status: criteria provided, single submitter. Criteria: Ambry Variant Classification Scheme 2023. Collection method: clinical testing. Allele origin: germline.
Comment: The p.K349T variant (also known as c.1046A>C), located in coding exon 11 of the KIF1B gene, results from an A to C substitution at nucleotide position 1046. The lysine at codon 349 is replaced by threonine, an amino acid with similar properties. This amino acid position is conserved. In addition, this alteration is predicted to be deleterious by in silico analysis. Since supporting evidence is limited at this time, the clinical significance of this alteration remains unclear.

Labcorp Genetics (formerly Invitae), Labcorp
Classification: Uncertain significance for Charcot-Marie-Tooth disease type 2. Last evaluated: 2022-03-18. Review status: criteria provided, single submitter. Criteria: Invitae Variant Classification Sherloc (09022015). Collection method: clinical testing. Allele origin: germline.
Comment: Algorithms developed to predict the effect of missense changes on protein structure and function are either unavailable or do not agree on the potential impact of this missense change (SIFT: "Tolerated"; PolyPhen-2: "Probably Damaging"; Align-GVGD: "Class C0"). This sequence change replaces lysine, which is basic and polar, with threonine, which is neutral and polar, at codon 349 of the KIF1B protein (p.Lys349Thr). This variant is present in population databases (no rsID available, gnomAD 0.01%). This variant has not been reported in the literature in individuals affected with KIF1B-related conditions. In summary, the available evidence is currently insufficient to determine the role of this variant in disease. Therefore, it has been classified as a Variant of Uncertain Significance.

NM_001365951.3(KIF1B):c.1064A>C (p.Lys355Thr)

Gene: KIF1B (kinesin family member 1B; plus strand). Cytogenetic location: 1p36.22.
Variant type: single nucleotide variant.
Coding change: c.1064A>C on transcript NM_001365951.3 (MANE Select); coding-DNA position 1064, A replaced by C.
Protein change: p.Lys355Thr; replaces lysine 355 with threonine.
Molecular consequence: missense variant.
Genome position (GRCh38, 1-based): chr1:10,278,012, A>C. VCF-style: chr1-10278012-A-C. GRCh37 (hg19) VCF-style: chr1-10338070-A-C.
Other names: c.1064A>C, p.Lys355Thr (NM_001365952.1); c.1046A>C, p.Lys349Thr (NM_001365953.1, NM_015074.3, NM_183416.4); short protein forms K349T, K355T.
Identifiers: ClinVar variation 2047743 (VCV002047743.5), dbSNP rs1175394757, ClinGen allele CA338333975.